The following is an entry in ClinVar:

ClinVar aggregate classification (germline): Uncertain significance. Review status: criteria provided, multiple submitters, no conflicts (2 of 4 stars). 2 submissions from 2 submitters: Uncertain significance (2). Last evaluated 2025-07-01.

Conditions:
Fraser syndrome 1 (FRASRS1). Also called: CRYPTOPHTHALMOS WITH OTHER MALFORMATIONS. Identifiers: Orphanet 2052, MedGen C4551480, MONDO:0054737, OMIM 219000.

gnomAD v4.1: 137 of 1,536,678 alleles (0.0089%); highest among the groups gnomAD compares: Non-Finnish European, 0.011%; no homozygotes.

Submissions (2):

CeGaT Center for Human Genetics Tuebingen
Classification: Uncertain significance. Last evaluated: 2025-07-01. Review status: criteria provided, single submitter. Criteria: CeGaT Center For Human Genetics Tuebingen Variant Classification Criteria Version 2. Collection method: clinical testing. Allele origin: germline. Affected: yes. Observed: 1 variant allele.
Comment: FRAS1: PM2

Fulgent Genetics
Classification: Uncertain significance for Fraser syndrome 1. Last evaluated: 2024-06-03. Review status: criteria provided, single submitter. Criteria: ACMG Guidelines, 2015. Collection method: clinical testing. Allele origin: germline.

NM_025074.7(FRAS1):c.10396G>A (p.Asp3466Asn)

Gene: FRAS1 (Fraser extracellular matrix complex subunit 1; plus strand). Cytogenetic location: 4q21.21.
Variant type: single nucleotide variant.
Coding change: c.10396G>A on transcript NM_025074.7 (MANE Select); coding-DNA position 10396, G replaced by A.
Protein change: p.Asp3466Asn; replaces aspartic acid 3466 with asparagine.
Molecular consequence: missense variant.
Genome position (GRCh38, 1-based): chr4:78,519,337, G>A. VCF-style: chr4-78519337-G-A. GRCh37 (hg19) VCF-style: chr4-79440491-G-A.
Other names: short protein forms D3466N.
Identifiers: ClinVar variation 3591200 (VCV003591200.9).